The following is an entry in ClinVar:

NM_001171613.2(PREPL):c.1221C>T (p.Val407=)

Gene: PREPL (prolyl endopeptidase like; minus strand). Cytogenetic location: 2p21.
Variant type: single nucleotide variant.
Coding change: c.1221C>T on transcript NM_001171613.2 (MANE Select); coding-DNA position 1221, C replaced by T.
Protein change: p.Val407=; no amino-acid change (valine 407 retained).
Molecular consequence: synonymous variant.
Genome position (GRCh38, 1-based): chr2:44,328,978, G>A on the plus strand (C>T on the coding strand, the complement: PREPL is on the minus strand). VCF-style: chr2-44328978-G-A. GRCh37 (hg19) VCF-style: chr2-44556117-G-A.
Other names: c.1302C>T, p.Val434= (NM_001042385.2); c.1290C>T, p.Val430= (NM_001042386.2); c.1488C>T, p.Val496= (NM_001171603.1, NM_001171606.2, NM_001374275.1 and 2 more transcripts); c.1221C>T, p.Val407= (NM_001171617.1, NM_001374277.1).
Identifiers: ClinVar variation 704284 (VCV000704284.11), dbSNP rs749676469, ClinGen allele CA1641197.

ClinVar aggregate classification (germline): Likely benign. Review status: criteria provided, multiple submitters, no conflicts (2 of 4 stars). 2 submissions from 2 submitters: Likely benign (2). Last evaluated 2025-07-30.

Conditions:
Myasthenic syndrome, congenital, 22 (CMS22). Also called: PREPL DEFICIENCY. Identifiers: MedGen C4479088, MONDO:0044299, OMIM 616224.
PREPL-related disorder. Also called: PREPL-related condition.

Allele frequency attached by ClinVar (database versions not stated): gnomAD exomes 0.00006; TOPMed 0.00006; ExAC 0.00008; gnomAD 0.00013 and 0.00014.
gnomAD v4.1: 284 of 1,613,782 alleles (0.018%); highest among the groups gnomAD compares: Non-Finnish European, 0.023%; no homozygotes.

Submissions (2):

Labcorp Genetics (formerly Invitae), Labcorp
Classification: Likely benign for Myasthenic syndrome, congenital, 22. Last evaluated: 2025-07-30. Review status: criteria provided, single submitter. Criteria: Invitae Variant Classification Sherloc (09022015). Collection method: clinical testing. Allele origin: germline.

PreventionGenetics, part of Exact Sciences
Classification: Likely benign for PREPL-related condition. Last evaluated: 2025-05-29. Review status: criteria provided, single submitter. Criteria: ACMG Guidelines, 2015. Collection method: clinical testing. Allele origin: germline.
Comment: This variant is classified as likely benign based on ACMG/AMP sequence variant interpretation guidelines (Richards et al. 2015 PMID: 25741868, with internal and published modifications).